The following is an entry in ClinVar:

ClinVar aggregate classification (germline): Uncertain significance. Review status: criteria provided, multiple submitters, no conflicts (2 of 4 stars). 2 submissions from 2 submitters: Uncertain significance (2). Last evaluated 2024-04-24.

Conditions:
Inborn genetic diseases. Identifiers: MedGen C0950123, MeSH D030342.

Allele frequency attached by ClinVar (database versions not stated): gnomAD exomes below 0.00001; TOPMed below 0.00001.
gnomAD v4.1: 1 of 1,610,934 alleles (0.000062%); highest among the groups gnomAD compares: African/African-American, 0.0013%; no homozygotes.

Submissions (2):

Ambry Genetics
Classification: Uncertain significance for Inborn genetic diseases. Last evaluated: 2024-04-24. Review status: criteria provided, single submitter. Criteria: Ambry Variant Classification Scheme 2023. Collection method: clinical testing. Allele origin: germline.

Labcorp Genetics (formerly Invitae), Labcorp
Classification: Uncertain significance. Last evaluated: 2023-10-05. Review status: criteria provided, single submitter. Criteria: Invitae Variant Classification Sherloc (09022015). Collection method: clinical testing. Allele origin: germline.
Comment: This sequence change replaces serine, which is neutral and polar, with arginine, which is basic and polar, at codon 2112 of the CACNA1E protein (p.Ser2112Arg). This variant is not present in population databases (gnomAD no frequency). This variant has not been reported in the literature in individuals affected with CACNA1E-related conditions. Advanced modeling of protein sequence and biophysical properties (such as structural, functional, and spatial information, amino acid conservation, physicochemical variation, residue mobility, and thermodynamic stability) has been performed at Invitae for this missense variant, however the output from this modeling did not meet the statistical confidence thresholds required to predict the impact of this variant on CACNA1E protein function. In summary, the available evidence is currently insufficient to determine the role of this variant in disease. Therefore, it has been classified as a Variant of Uncertain Significance.

NM_001205293.3(CACNA1E):c.6463A>C (p.Ser2155Arg)

Gene: CACNA1E (calcium voltage-gated channel subunit alpha1 E; plus strand). Cytogenetic location: 1q25.3.
Variant type: single nucleotide variant.
Coding change: c.6463A>C on transcript NM_001205293.3 (MANE Select); coding-DNA position 6463, A replaced by C.
Protein change: p.Ser2155Arg; replaces serine 2155 with arginine.
Molecular consequence: missense variant.
Genome position (GRCh38, 1-based): chr1:181,798,355, A>C. VCF-style: chr1-181798355-A-C. GRCh37 (hg19) VCF-style: chr1-181767491-A-C.
Other names: c.6463A>C (NM_001205293.1); c.6334A>C, p.Ser2112Arg (NM_000721.4); c.6277A>C, p.Ser2093Arg (NM_001205294.2); short protein forms S2112R, S2093R, S2155R.
Identifiers: ClinVar variation 2970607 (VCV002970607.4), dbSNP rs922167430, ClinGen allele CA34197632.